The following is an entry in ClinVar:

ClinVar aggregate classification (germline): Likely pathogenic (1 of 4 stars; one submission).

Conditions:
Dilated cardiomyopathy 1G (CMD1G). Identifiers: Orphanet 154, MedGen C1858763, MONDO:0011400, OMIM 604145.
Autosomal recessive limb-girdle muscular dystrophy type 2J (LGMDR10). Also called: Limb-girdle muscular dystrophy, type 2J; MUSCULAR DYSTROPHY, LIMB-GIRDLE, AUTOSOMAL RECESSIVE 10. Identifiers: Orphanet 140922, MedGen C1837342, MONDO:0012127, OMIM 608807.

Submission:

Labcorp Genetics (formerly Invitae), Labcorp
Classification: Likely pathogenic for Dilated cardiomyopathy 1G; Autosomal recessive limb-girdle muscular dystrophy type 2J. Last evaluated: 2024-04-02. Review status: criteria provided, single submitter. Criteria: Invitae Variant Classification Sherloc (09022015). Collection method: clinical testing. Allele origin: germline.
Comment: This sequence change affects an acceptor splice site in intron 269 of the TTN gene. It is expected to disrupt RNA splicing and likely results in a truncated or disrupted TTN protein. This variant is not present in population databases (gnomAD no frequency). This variant has not been reported in the literature in individuals affected with TTN-related conditions. Algorithms developed to predict the effect of sequence changes on RNA splicing suggest that this variant may disrupt the consensus splice site. This variant is located in the A band of TTN (PMID: 25589632). Truncating variants in this region are significantly overrepresented in patients affected with dilated cardiomyopathy (PMID: 25589632). Truncating variants in this region have also been reported in individuals affected with autosomal recessive centronuclear myopathy (PMID: 23975875). In summary, the currently available evidence indicates that the variant is pathogenic, but additional data are needed to prove that conclusively. Therefore, this variant has been classified as Likely Pathogenic.

Literature cited by the submitters: PubMed 25589632; PubMed 23975875.

NM_001267550.2(TTN):c.50858-2A>C

Genes: TTN-AS1 (TTN antisense RNA 1; plus strand), TTN (titin; minus strand). Cytogenetic location: 2q31.2.
Variant type: single nucleotide variant.
Coding change: c.50858-2A>C on transcript NM_001267550.2 (MANE Select); the canonical splice acceptor site of the intron before coding-DNA position 50858, A replaced by C.
Molecular consequence: splice acceptor variant.
Genome position (GRCh38, 1-based): chr2:178,611,273, T>G on the plus strand (A>C on the coding strand, the complement: TTN is on the minus strand). VCF-style: chr2-178611273-T-G. GRCh37 (hg19) VCF-style: chr2-179476000-T-G.
Other names: c.23663-2A>C (NM_003319.4); c.24239-2A>C (NM_133437.4); c.24038-2A>C (NM_133432.3); c.43154-2A>C (NM_133378.4); c.45935-2A>C (NM_001256850.1).
Identifiers: ClinVar variation 3755634 (VCV003755634.2).